The following is an entry in ClinVar:

NM_000152.5(GAA):c.1987C>T (p.Gln663Ter)

Gene: GAA (alpha glucosidase; plus strand). Cytogenetic location: 17q25.3.
Variant type: single nucleotide variant.
Coding change: c.1987C>T on transcript NM_000152.5 (MANE Select); coding-DNA position 1987, C replaced by T.
Protein change: p.Gln663Ter; replaces glutamine 663 with a stop codon.
Molecular consequence: nonsense.
Genome position (GRCh38, 1-based): chr17:80,112,974, C>T. VCF-style: chr17-80112974-C-T. GRCh37 (hg19) VCF-style: chr17-78086773-C-T.
Other names: c.1987C>T, p.Gln663Ter (NM_001079803.3, NM_001079804.3); short protein forms Q663*.
Identifiers: ClinVar variation 1070357 (VCV001070357.9), dbSNP rs2143892654, ClinGen allele CA401370018.

ClinVar aggregate classification (germline): Pathogenic. Review status: criteria provided, multiple submitters, no conflicts (2 of 4 stars). 3 submissions from 3 submitters: Pathogenic (3). Last evaluated 2026-07-01.

Conditions:
Glycogen storage disease, type II (IOPD). Also called: CARDIOMEGALIA GLYCOGENICA DIFFUSA; GLYCOGENOSIS, GENERALIZED, CARDIAC FORM; GSD II; Glycogen storage disease type 2; Acid maltase deficiency disease; Aglucosidase alfa. Identifiers: Orphanet 365, MedGen C0017921, MONDO:0009290, OMIM 232300.

Submissions (3):

Genomenon, Inc
Classification: Pathogenic for Glycogen storage disease, type II. Last evaluated: 2026-07-01. Review status: criteria provided, single submitter. Criteria: Genomenon Sequence Variant Interpretation Standards - Updated. Collection method: curation. Allele origin: germline. Affected: yes.
Comment: GAA p.Gln663Ter (c.1987C>T) is a nonsense variant that introduces a premature stop codon at amino acid position 663 and is predicted to result in a truncated or absent protein product. This variant has been observed in at least one proband with a GAA-related disorder (PMID:35833019). It is absent or not present at a significant frequency in gnomAD. In conclusion, we classify GAA p.Gln663Ter (c.1987C>T) as a pathogenic variant.

Myriad Genetics, Inc.
Classification: Pathogenic for Glycogen storage disease, type II. Last evaluated: 2025-08-24. Review status: criteria provided, single submitter. Criteria: Myriad Autosomal Dominant, Autosomal Recessive and X-Linked Classification Criteria (2023). Collection method: clinical testing. Allele origin: unknown.
Comment: NM_000152.3(GAA):c.1987C>T(Q663*) is expected to be pathogenic in the context of Pompe disease. This variant is predicted to lead to an abnormal or absent protein product due to the creation of a premature termination codon in GAA, a gene where loss-of-function variants are known to be pathogenic. Please note: this variant was assessed in the context of healthy population screening.

Labcorp Genetics (formerly Invitae), Labcorp
Classification: Pathogenic for Glycogen storage disease, type II. Last evaluated: 2020-05-30. Review status: criteria provided, single submitter. Criteria: Invitae Variant Classification Sherloc (09022015). Collection method: clinical testing. Allele origin: germline.
Comment: This sequence change creates a premature translational stop signal (p.Gln663*) in the GAA gene. It is expected to result in an absent or disrupted protein product. This variant is not present in population databases (ExAC no frequency). This variant has not been reported in the literature in individuals with GAA-related conditions. Loss-of-function variants in GAA are known to be pathogenic (PMID: 18425781, 22252923). For these reasons, this variant has been classified as Pathogenic.

Literature cited by the submitters: PubMed 35833019 (cited by Genomenon, Inc); PubMed 18425781 (cited by Labcorp Genetics (formerly Invitae), Labcorp); PubMed 22252923 (cited by Labcorp Genetics (formerly Invitae), Labcorp).